The following is an entry in ClinVar:

NM_001267550.2(TTN):c.39282TCC[1] (p.Pro13097del)

Gene: TTN (titin; minus strand). Cytogenetic location: 2q31.2.
Variant type: Microsatellite.
Coding change: c.39282TCC[1] on transcript NM_001267550.2 (MANE Select); one copy of the 3-base unit TCC starting at c.39282; the reference has two copies in a row; one copy, 3 bases deleted; also written c.39285_39287del.
Protein change: p.Pro13097del; deletes proline 13097.
Molecular consequence: inframe deletion. On other transcripts: intron variant (3).
Genome position (GRCh38, 1-based): chr2:178,652,104-178,652,106, GGA deleted on the plus strand (TCC on the coding strand, the reverse complement: TTN is on the minus strand); deleting any 3 consecutive bases within chr2:178,652,104-178,652,109 gives the same sequence; the position shown is the placement nearest the transcript's 3' end. VCF-style (leftmost placement, unchanged base first): chr2-178652103-GGGA-G. GRCh37 (hg19) VCF-style: chr2-179516830-GGGA-G.
Other names: c.34761TCC[1], p.Pro11590del (NM_001256850.1); c.31980TCC[1], p.Pro10663del (NM_133378.4); c.13283-9789_13283-9787del (NM_003319.4); c.13859-9789_13859-9787del (NM_133437.4); c.13658-9789_13658-9787del (NM_133432.3); c.31983_31985delTCC (NM_133378.4); c.39285_39287del (NM_001267550.2, NM_001267550.1); short protein forms P10663del, P13097del, P11590del.
Identifiers: ClinVar variation 166089 (VCV000166089.7), dbSNP rs727503631, ClinGen allele CA178880.

ClinVar aggregate classification (germline): Uncertain significance. Review status: criteria provided, multiple submitters, no conflicts (2 of 4 stars). 3 submissions from 3 submitters: Uncertain significance (3). Last evaluated 2024-02-13.

Conditions:
Autosomal recessive limb-girdle muscular dystrophy type 2J (LGMDR10). Also called: MUSCULAR DYSTROPHY, LIMB-GIRDLE, AUTOSOMAL RECESSIVE 10; Limb-girdle muscular dystrophy, type 2J. Identifiers: Orphanet 140922, MedGen C1837342, MONDO:0012127, OMIM 608807.
Tibial muscular dystrophy (TMD). Also called: Tibial muscular dystrophy, tardive; Udd Distal Myopathy – Tibial Muscular Dystrophy; UDD MYOPATHY. Identifiers: Orphanet 609, MedGen C1838244, MONDO:0010870, OMIM 600334.
Myopathy, myofibrillar, 9, with early respiratory failure (MFM9). Also called: Myopathy, distal, with early respiratory failure, autosomal dominant; EDSTROM MYOPATHY; MYOPATHY, PROXIMAL, WITH EARLY RESPIRATORY MUSCLE INVOLVEMENT; Hereditary myopathy with early respiratory failure. Identifiers: Orphanet 178464, Orphanet 34521, MedGen C1863599, MONDO:0011362, OMIM 603689.
Dilated cardiomyopathy 1G (CMD1G). Identifiers: Orphanet 154, MedGen C1858763, MONDO:0011400, OMIM 604145.
Early-onset myopathy with fatal cardiomyopathy (CMYO5). Also called: CONGENITAL MYOPATHY 5 WITH CARDIOMYOPATHY; Salih Myopathy. Identifiers: Orphanet 289377, MedGen C2673677, MONDO:0012714, OMIM 611705. Disease mechanism: loss of function.
Hypertrophic cardiomyopathy 9. Also called: Familial hypertrophic cardiomyopathy 9. Identifiers: MedGen C1861065, MONDO:0013412, OMIM 613765.

Submissions (3):

GeneDx
Classification: Uncertain significance. Last evaluated: 2024-02-13. Review status: criteria provided, single submitter. Criteria: GeneDx Variant Classification Process June 2021. Collection method: clinical testing. Allele origin: germline. Affected: yes.
Comment: Not observed at significant frequency in large population cohorts (gnomAD); Has not been previously published as pathogenic or benign to our knowledge

Fulgent Genetics
Classification: Uncertain significance for Tibial muscular dystrophy; Myopathy, myofibrillar, 9, with early respiratory failure; Dilated cardiomyopathy 1G; Autosomal recessive limb-girdle muscular dystrophy type 2J; Early-onset myopathy with fatal cardiomyopathy; Hypertrophic cardiomyopathy 9. Last evaluated: 2021-12-29. Review status: criteria provided, single submitter. Criteria: ACMG Guidelines, 2015. Collection method: clinical testing. Allele origin: unknown.

Laboratory for Molecular Medicine, Mass General Brigham Personalized Medicine
Classification: Uncertain significance. Last evaluated: 2013-05-24. Review status: criteria provided, single submitter. Criteria: LMM Criteria. Collection method: clinical testing. Allele origin: germline. Observed: 1 variant allele.
Comment: The Pro10663del in TTN has not been reported in individuals with cardiomyopathy. Data from large population studies is insufficient to assess the frequency of t his variant and computational studies are unavailable. This variant results in t he deletion of 1 proline (Pro) residue from a string of 3 proline residues, but does not alter the protein reading frame. Additional information is needed to fu lly assess the clinical significance of this variant.